The following is an entry in ClinVar:

NM_001372044.2(SHANK3):c.*12C>G

Gene: SHANK3 (SH3 and multiple ankyrin repeat domains 3; plus strand). Cytogenetic location: 22q13.33.
Variant type: single nucleotide variant.
Coding change: c.*12C>G on transcript NM_001372044.2 (MANE Select); 12 bases downstream of the stop codon, C replaced by G.
Molecular consequence: 3 prime UTR variant.
Genome position (GRCh38, 1-based): chr22:50,731,324, C>G. VCF-style: chr22-50731324-C-G. GRCh37 (hg19) VCF-style: chr22-51169752-C-G.
Identifiers: ClinVar variation 3374849 (VCV003374849.1).

ClinVar aggregate classification (germline): Uncertain significance (1 of 4 stars; one submission).

Submission:

Women's Health and Genetics/Laboratory Corporation of America, LabCorp
Classification: Uncertain significance. Last evaluated: 2024-09-12. Review status: criteria provided, single submitter. Criteria: LabCorp Variant Classification Summary - May 2015. Collection method: clinical testing. Allele origin: germline.
Comment: Variant summary: SHANK3 c.*12C>G is located in the untranslated mRNA region downstream of the termination codon. The variant allele was found at a frequency of 9.7e-06 in 103480 control chromosomes. The available data on variant occurrences in the general population are insufficient to allow any conclusion about variant significance. To our knowledge, no occurrence of c.*12C>G in individuals affected with Phelan-McDermid Syndrome and no experimental evidence demonstrating its impact on protein function have been reported. No submitters have cited clinical-significance assessments for this variant to ClinVar. Based on the evidence outlined above, the variant was classified as uncertain significance.